The following is an entry in ClinVar:

NM_014319.5(LEMD3):c.958G>C (p.Asp320His)

Gene: LEMD3 (LEM domain containing 3; plus strand). Cytogenetic location: 12q14.3.
Variant type: single nucleotide variant.
Coding change: c.958G>C on transcript NM_014319.5 (MANE Select); coding-DNA position 958, G replaced by C.
Protein change: p.Asp320His; replaces aspartic acid 320 with histidine.
Molecular consequence: missense variant.
Genome position (GRCh38, 1-based): chr12:65,170,554, G>C. VCF-style: chr12-65170554-G-C. GRCh37 (hg19) VCF-style: chr12-65564334-G-C.
Other names: c.958G>C, p.Asp320His (NM_001167614.2); short protein forms D320H.
Identifiers: ClinVar variation 3665018 (VCV003665018.2).

ClinVar aggregate classification (germline): Uncertain significance (1 of 4 stars; one submission).

Submission:

Labcorp Genetics (formerly Invitae), Labcorp
Classification: Uncertain significance. Last evaluated: 2024-11-25. Review status: criteria provided, single submitter. Criteria: Invitae Variant Classification Sherloc (09022015). Collection method: clinical testing. Allele origin: germline.
Comment: This sequence change replaces aspartic acid, which is acidic and polar, with histidine, which is basic and polar, at codon 320 of the LEMD3 protein (p.Asp320His). This variant is not present in population databases (gnomAD no frequency). This variant has not been reported in the literature in individuals affected with LEMD3-related conditions. Invitae Evidence Modeling of protein sequence and biophysical properties (such as structural, functional, and spatial information, amino acid conservation, physicochemical variation, residue mobility, and thermodynamic stability) indicates that this missense variant is not expected to disrupt LEMD3 protein function with a negative predictive value of 80%. In summary, the available evidence is currently insufficient to determine the role of this variant in disease. Therefore, it has been classified as a Variant of Uncertain Significance.